The following is an entry in ClinVar:

NM_000094.4(COL7A1):c.1673C>G (p.Thr558Arg)

Gene: COL7A1 (collagen type VII alpha 1 chain; minus strand). Cytogenetic location: 3p21.31.
Variant type: single nucleotide variant.
Coding change: c.1673C>G on transcript NM_000094.4 (MANE Select); coding-DNA position 1673, C replaced by G.
Protein change: p.Thr558Arg; replaces threonine 558 with arginine.
Molecular consequence: missense variant.
Genome position (GRCh38, 1-based): chr3:48,590,780, G>C on the plus strand (C>G on the coding strand, the complement: COL7A1 is on the minus strand). VCF-style: chr3-48590780-G-C. GRCh37 (hg19) VCF-style: chr3-48628213-G-C.
Other names: short protein forms T558R.
Identifiers: ClinVar variation 2730881 (VCV002730881.3), dbSNP rs372925457, ClinGen allele CA352729900.

ClinVar aggregate classification (germline): Uncertain significance (1 of 4 stars; one submission).

Submission:

Labcorp Genetics (formerly Invitae), Labcorp
Classification: Uncertain significance. Last evaluated: 2023-05-26. Review status: criteria provided, single submitter. Criteria: Invitae Variant Classification Sherloc (09022015). Collection method: clinical testing. Allele origin: germline.
Comment: This sequence change replaces threonine, which is neutral and polar, with arginine, which is basic and polar, at codon 558 of the COL7A1 protein (p.Thr558Arg). This variant is not present in population databases (gnomAD no frequency). This variant has not been reported in the literature in individuals affected with COL7A1-related conditions. Advanced modeling of protein sequence and biophysical properties (such as structural, functional, and spatial information, amino acid conservation, physicochemical variation, residue mobility, and thermodynamic stability) performed at Invitae indicates that this missense variant is not expected to disrupt COL7A1 protein function. In summary, the available evidence is currently insufficient to determine the role of this variant in disease. Therefore, it has been classified as a Variant of Uncertain Significance.